The following is an entry in ClinVar:

NM_007118.4(TRIO):c.287A>G (p.His96Arg)

Gene: TRIO (trio Rho guanine nucleotide exchange factor; plus strand). Cytogenetic location: 5p15.2.
Variant type: single nucleotide variant.
Coding change: c.287A>G on transcript NM_007118.4 (MANE Select); coding-DNA position 287, A replaced by G.
Protein change: p.His96Arg; replaces histidine 96 with arginine.
Molecular consequence: missense variant. On other transcripts: non-coding transcript variant (1).
Genome position (GRCh38, 1-based): chr5:14,280,376, A>G. VCF-style: chr5-14280376-A-G. GRCh37 (hg19) VCF-style: chr5-14280485-A-G.
Other names: short protein forms H96R.
Identifiers: ClinVar variation 4865932 (VCV004865932.1).

ClinVar aggregate classification (germline): Uncertain significance (1 of 4 stars; one submission).

Conditions:
Inborn genetic diseases. Identifiers: MedGen C0950123, MeSH D030342.

gnomAD v4.1: 1 of 1,614,054 alleles (0.000062%); highest among the groups gnomAD compares: African/African-American, 0.0013%; no homozygotes.

Submission:

Ambry Genetics
Classification: Uncertain significance for Inborn genetic diseases. Last evaluated: 2026-05-20. Review status: criteria provided, single submitter. Criteria: Ambry Variant Classification Scheme 2023. Collection method: clinical testing. Allele origin: germline.
Comment: The c.287A>G (p.H96R) alteration is located in exon 3 (coding exon 3) of the TRIO gene. This alteration results from a A to G substitution at nucleotide position 287, causing the histidine (H) at amino acid position 96 to be replaced by an arginine (R). Based on data from gnomAD, the G allele has an overall frequency of <0.001% (1/251460) total alleles studied. The highest observed frequency was 0.006% (1/16256) of African alleles. Based on insufficient or conflicting evidence, the clinical significance of this alteration remains unclear.